The following is an entry in ClinVar:

ClinVar aggregate classification (germline): Uncertain significance (1 of 4 stars; one submission).

gnomAD v4.1: 1 of 1,548,166 alleles (0.000065%); highest among the groups gnomAD compares: Non-Finnish European, 0.000087%; no homozygotes.

Submission:

Labcorp Genetics (formerly Invitae), Labcorp
Classification: Uncertain significance. Last evaluated: 2025-07-21. Review status: criteria provided, single submitter. Criteria: Invitae Variant Classification Sherloc (09022015). Collection method: clinical testing. Allele origin: germline.
Comment: This sequence change replaces isoleucine, which is neutral and non-polar, with leucine, which is neutral and non-polar, at codon 12 of the PPP1CB protein (p.Ile12Leu). This variant is not present in population databases (gnomAD no frequency). This variant has not been reported in the literature in individuals affected with PPP1CB-related conditions. An algorithm developed to predict the effect of missense changes on protein structure and function (PolyPhen-2) suggests that this variant is likely to be tolerated. In summary, the available evidence is currently insufficient to determine the role of this variant in disease. Therefore, it has been classified as a Variant of Uncertain Significance.

NM_002709.3(PPP1CB):c.34A>C (p.Ile12Leu)

Gene: PPP1CB (protein phosphatase 1 catalytic subunit beta; plus strand). Cytogenetic location: 2p23.2.
Variant type: single nucleotide variant.
Coding change: c.34A>C on transcript NM_002709.3 (MANE Select); coding-DNA position 34, A replaced by C.
Protein change: p.Ile12Leu; replaces isoleucine 12 with leucine.
Molecular consequence: missense variant.
Genome position (GRCh38, 1-based): chr2:28,752,158, A>C. VCF-style: chr2-28752158-A-C. GRCh37 (hg19) VCF-style: chr2-28975024-A-C.
Other names: c.34A>C, p.Ile12Leu (NM_206876.2); short protein forms I12L.
Identifiers: ClinVar variation 4723582 (VCV004723582.1).